The following is an entry in ClinVar:

NM_001377.3(DYNC2H1):c.3454T>G (p.Phe1152Val)

Gene: DYNC2H1 (dynein cytoplasmic 2 heavy chain 1; plus strand). Cytogenetic location: 11q22.3.
Variant type: single nucleotide variant.
Coding change: c.3454T>G on transcript NM_001377.3 (MANE Select); coding-DNA position 3454, T replaced by G.
Protein change: p.Phe1152Val; replaces phenylalanine 1152 with valine.
Molecular consequence: missense variant.
Genome position (GRCh38, 1-based): chr11:103,154,602, T>G. VCF-style: chr11-103154602-T-G. GRCh37 (hg19) VCF-style: chr11-103025331-T-G.
Other names: c.3454T>G, p.Phe1152Val (NM_001080463.2); c.3454T>G (NM_001080463.1); short protein forms F1152V.
Identifiers: ClinVar variation 1373668 (VCV001373668.7), dbSNP rs1054675967, ClinGen allele CA227417836.

ClinVar aggregate classification (germline): Uncertain significance. Review status: criteria provided, multiple submitters, no conflicts (2 of 4 stars). 3 submissions from 3 submitters: Uncertain significance (3). Last evaluated 2025-12-08.

Conditions:
Jeune thoracic dystrophy. Also called: Infantile thoracic dystrophy; Thoracic pelvic phalangeal dystrophy; Jeune's syndrome; Chondroectodermal dysplasia-like syndrome; Jeune syndrome; Short-rib thoracic dysplasia. Identifiers: Orphanet 474, MedGen C0265275, MONDO:0018770.
Inborn genetic diseases. Identifiers: MedGen C0950123, MeSH D030342.

Allele frequency attached by ClinVar (database versions not stated): gnomAD 0.00001; gnomAD exomes 0.00001; TOPMed 0.00001.
gnomAD v4.1: 16 of 1,592,058 alleles (0.001%); highest among the groups gnomAD compares: Non-Finnish European, 0.0013%; no homozygotes.

Submissions (3):

Ambry Genetics
Classification: Uncertain significance for Inborn genetic diseases. Last evaluated: 2025-12-08. Review status: criteria provided, single submitter. Criteria: Ambry Variant Classification Scheme 2023. Collection method: clinical testing. Allele origin: germline.

Blueprint Genetics
Classification: Uncertain significance. Last evaluated: 2023-01-19. Review status: criteria provided, single submitter. Criteria: ACMG Guidelines, 2015. Collection method: clinical testing. Allele origin: germline.

Labcorp Genetics (formerly Invitae), Labcorp
Classification: Uncertain significance for Jeune thoracic dystrophy. Last evaluated: 2021-09-24. Review status: criteria provided, single submitter. Criteria: Invitae Variant Classification Sherloc (09022015). Collection method: clinical testing. Allele origin: germline.
Comment: This sequence change replaces phenylalanine with valine at codon 1152 of the DYNC2H1 protein (p.Phe1152Val). The phenylalanine residue is highly conserved and there is a small physicochemical difference between phenylalanine and valine. This variant is not present in population databases (ExAC no frequency). This variant has not been reported in the literature in individuals with DYNC2H1-related conditions. Advanced modeling of protein sequence and biophysical properties (such as structural, functional, and spatial information, amino acid conservation, physicochemical variation, residue mobility, and thermodynamic stability) performed at Invitae indicates that this missense variant is not expected to disrupt DYNC2H1 protein function. In summary, the available evidence is currently insufficient to determine the role of this variant in disease. Therefore, it has been classified as a Variant of Uncertain Significance.